The following is an entry in ClinVar:

NM_006416.5(SLC35A1):c.569T>C (p.Phe190Ser)

Gene: SLC35A1 (solute carrier family 35 member A1; plus strand). Cytogenetic location: 6q15.
Variant type: single nucleotide variant.
Coding change: c.569T>C on transcript NM_006416.5 (MANE Select); coding-DNA position 569, T replaced by C.
Protein change: p.Phe190Ser; replaces phenylalanine 190 with serine.
Molecular consequence: missense variant.
Genome position (GRCh38, 1-based): chr6:87,506,443, T>C. VCF-style: chr6-87506443-T-C. GRCh37 (hg19) VCF-style: chr6-88216161-T-C.
Other names: c.569T>C, p.Phe190Ser (NM_001168398.2); short protein forms F190S.
Identifiers: ClinVar variation 566896 (VCV000566896.7), dbSNP rs763621828, ClinGen allele CA3916001.

ClinVar aggregate classification (germline): Uncertain significance (1 of 4 stars; one submission).

Conditions:
SLC35A1-congenital disorder of glycosylation. Also called: CONGENITAL DISORDER OF GLYCOSYLATION, TYPE IIf; CDG IIf; SLC35A1-CDG. Identifiers: Orphanet 238459, MedGen C1970344, MONDO:0011342, OMIM 603585.

Allele frequency attached by ClinVar (database versions not stated): gnomAD 0.00001; TOPMed 0.00003; gnomAD exomes 0.00004; ExAC 0.00007.
gnomAD v4.1: 26 of 1,613,328 alleles (0.0016%); highest among the groups gnomAD compares: Non-Finnish European, 0.002%; no homozygotes.

Submission:

Labcorp Genetics (formerly Invitae), Labcorp
Classification: Uncertain significance for SLC35A1-congenital disorder of glycosylation. Last evaluated: 2021-09-01. Review status: criteria provided, single submitter. Criteria: Invitae Variant Classification Sherloc (09022015). Collection method: clinical testing. Allele origin: germline.
Comment: This sequence change replaces phenylalanine with serine at codon 190 of the SLC35A1 protein (p.Phe190Ser). The phenylalanine residue is highly conserved and there is a large physicochemical difference between phenylalanine and serine. This variant is present in population databases (rs763621828, ExAC 0.01%). This variant has not been reported in the literature in individuals affected with SLC35A1-related conditions. Algorithms developed to predict the effect of missense changes on protein structure and function (SIFT, PolyPhen-2, Align-GVGD) all suggest that this variant is likely to be disruptive. In summary, the available evidence is currently insufficient to determine the role of this variant in disease. Therefore, it has been classified as a Variant of Uncertain Significance.